The following is an entry in ClinVar:

NM_001267550.2(TTN):c.39731TTGCTCCTGAAGAGGAAA[1] (p.13244IAPEEE[1])

Gene: TTN (titin; minus strand). Cytogenetic location: 2q31.2.
Variant type: Microsatellite.
Coding change: c.39731TTGCTCCTGAAGAGGAAA[1] on transcript NM_001267550.2 (MANE Select); one copy of the 18-base unit TTGCTCCTGAAGAGGAAA starting at c.39731; the reference has two copies in a row; one copy, 18 bases deleted; also written c.39749_39766del.
Protein change: p.13244IAPEEE[1].
Molecular consequence: inframe deletion. On other transcripts: intron variant (3).
Genome position (GRCh38, 1-based): chr2:178,650,215-178,650,232, TTTCCTCTTCAGGAGCAA deleted on the plus strand (TTGCTCCTGAAGAGGAAA on the coding strand, the reverse complement: TTN is on the minus strand); deleting any 18 consecutive bases within chr2:178,650,215-178,650,257 gives the same sequence; the position shown is the placement nearest the transcript's 3' end. VCF-style (leftmost placement, unchanged base first): chr2-178650214-TTTTCCTCTTCAGGAGCAA-T. GRCh37 (hg19) VCF-style: chr2-179514941-TTTTCCTCTTCAGGAGCAA-T.
Other names: c.32447_32464delTTGCTCCTGAAGAGGAAA (NM_133378.4); c.39749_39766delTTGCTCCTGAAGAGGAAA (NM_001267550.2); c.35228_35245del18 (NM_001256850.1); c.39749_39766del (NM_001267550.2); c.35210TTGCTCCTGAAGAGGAAA[1], p.11737IAPEEE[1] (NM_001256850.1); c.32429TTGCTCCTGAAGAGGAAA[1], p.10810IAPEEE[1] (NM_133378.4); c.13283-7915_13283-7898del (NM_003319.4); c.13859-7915_13859-7898del (NM_133437.4); and 2 more.
Identifiers: ClinVar variation 46932 (VCV000046932.46), dbSNP rs139512154, ClinGen allele CA283194.

ClinVar aggregate classification (germline): Benign/Likely benign. Review status: criteria provided, multiple submitters, no conflicts (2 of 4 stars). 13 submissions from 13 submitters: Benign (11); Likely benign (2). Last evaluated 2026-02-04.

Conditions:
Cardiovascular phenotype. Identifiers: MedGen CN230736.
Autosomal recessive limb-girdle muscular dystrophy type 2J (LGMDR10). Also called: Limb-girdle muscular dystrophy, type 2J; MUSCULAR DYSTROPHY, LIMB-GIRDLE, AUTOSOMAL RECESSIVE 10. Identifiers: Orphanet 140922, MedGen C1837342, MONDO:0012127, OMIM 608807.
Dilated cardiomyopathy 1G (CMD1G). Identifiers: Orphanet 154, MedGen C1858763, MONDO:0011400, OMIM 604145.
Cardiomyopathy (CMYO). Also called: Cardiomyopathies. Identifiers: Orphanet 167848, MedGen C0878544, MONDO:0004994, HP:0001638. Inheritance: Various modes of inheritance.

Submissions (13):

Labcorp Genetics (formerly Invitae), Labcorp
Classification: Benign for Dilated cardiomyopathy 1G; Autosomal recessive limb-girdle muscular dystrophy type 2J. Last evaluated: 2026-02-04. Review status: criteria provided, single submitter. Criteria: Invitae Variant Classification Sherloc (09022015). Collection method: clinical testing. Allele origin: germline.

ARUP Laboratories, Molecular Genetics and Genomics, ARUP Laboratories
Classification: Benign. Last evaluated: 2025-06-25. Review status: criteria provided, single submitter. Criteria: ARUP Molecular Germline Variant Investigation Process 2024. Collection method: clinical testing. Allele origin: germline.

Blueprint Genetics
Classification: Likely benign. Last evaluated: 2024-11-25. Review status: criteria provided, single submitter. Criteria: ACMG Guidelines, 2015. Collection method: clinical testing. Allele origin: germline.

Women's Health and Genetics/Laboratory Corporation of America, LabCorp
Classification: Benign. Last evaluated: 2019-11-18. Review status: criteria provided, single submitter. Criteria: LabCorp Variant Classification Summary - May 2015. Collection method: clinical testing. Allele origin: germline.
Comment: Variant summary: TTN c.32447_32464del18 (p.Ile10816_Glu10821del) results in an in-frame deletion that is predicted to remove six amino acids from the encoded protein. The variant allele was found at a frequency of 0.01 in 223830 control chromosomes in the gnomAD database, including 33 homozygotes. The observed variant frequency is approximately 17 fold the estimated maximal expected allele frequency for a pathogenic variant in TTN causing Cardiomyopathy phenotype (0.00063), strongly suggesting that the variant is benign. Five ClinVar submitters (evaluation after 2014) have cited the variant as benign/likely benign. Based on the evidence outlined above, the variant was classified as benign.

Mayo Clinic Laboratories, Mayo Clinic
Classification: Benign. Last evaluated: 2018-12-06. Review status: criteria provided, single submitter. Criteria: ACMG Guidelines, 2015. Collection method: clinical testing. Allele origin: germline. Observed: 97 variant alleles.

GeneDx
Classification: Benign. Last evaluated: 2018-06-09. Review status: criteria provided, single submitter. Criteria: GeneDx Variant Classification Process June 2021. Collection method: clinical testing. Allele origin: germline. Affected: yes.

Molecular Diagnostic Laboratory for Inherited Cardiovascular Disease, Montreal Heart Institute
Classification: Likely benign. Last evaluated: 2016-11-29. Review status: criteria provided, single submitter. Criteria: ACMG Guidelines, 2015. Collection method: clinical testing. Allele origin: germline. Affected: yes.

Eurofins Ntd Llc (ga)
Classification: Benign. Last evaluated: 2016-06-14. Review status: criteria provided, single submitter. Criteria: EGL Classification Definitions 2015. Collection method: clinical testing. Allele origin: germline. Observed: 38 variant alleles, 8 heterozygotes.

CHEO Genetics Diagnostic Laboratory, Children's Hospital of Eastern Ontario
Classification: Benign for Cardiomyopathy. Last evaluated: 2015-12-17. Review status: criteria provided, single submitter. Criteria: ACMG Guidelines, 2015. Collection method: clinical testing. Allele origin: germline. Study: Canadian Open Genetics Repository.

Genetic Services Laboratory, University of Chicago
Classification: Benign. Last evaluated: 2013-12-23. Review status: criteria provided, single submitter. Criteria: ACMG Guidelines, 2007. Collection method: clinical testing. Allele origin: germline.

Ambry Genetics
Classification: Benign for Cardiovascular phenotype. Last evaluated: 2013-03-06. Review status: criteria provided, single submitter. Criteria: Ambry Autosomal Dominant and X-Linked criteria (10/2015). Collection method: clinical testing. Allele origin: germline. Observed: 1 variant allele.

Laboratory for Molecular Medicine, Mass General Brigham Personalized Medicine
Classification: Benign. Last evaluated: 2012-11-27. Review status: criteria provided, single submitter. Criteria: LMM Criteria. Collection method: clinical testing. Allele origin: germline. Observed: 43 variant alleles.
Comment: Ile10816_Glu10821del in intron 164 of TTN: This variant is not expected to have clinical significance because it has been identified in 11.0% (21/192) of Luhya (Kenyan) chromosomes from a broad population by the 1000 Genomes project (dbSNP rs139512154).

PreventionGenetics, part of Exact Sciences
Classification: Benign. Review status: criteria provided, single submitter. Criteria: ACMG Guidelines, 2015. Collection method: clinical testing. Allele origin: germline.